The following is an entry in ClinVar:

ClinVar aggregate classification (germline): Uncertain significance (1 of 4 stars; one submission).

Submission:

CeGaT Center for Human Genetics Tuebingen
Classification: Uncertain significance. Last evaluated: 2022-05-01. Review status: criteria provided, single submitter. Criteria: CeGaT Center For Human Genetics Tuebingen Variant Classification Criteria Version 2. Collection method: clinical testing. Allele origin: germline. Affected: yes. Observed: 1 variant allele.
Comment: TTN: PM2, BP4

NM_001267550.2(TTN):c.37783A>C (p.Ile12595Leu)

Gene: TTN (titin; minus strand). Cytogenetic location: 2q31.2.
Variant type: single nucleotide variant.
Coding change: c.37783A>C on transcript NM_001267550.2 (MANE Select); coding-DNA position 37783, A replaced by C.
Protein change: p.Ile12595Leu; replaces isoleucine 12595 with leucine.
Molecular consequence: missense variant. On other transcripts: intron variant (5).
Genome position (GRCh38, 1-based): chr2:178,658,086, T>G on the plus strand (A>C on the coding strand, the complement: TTN is on the minus strand). VCF-style: chr2-178658086-T-G. GRCh37 (hg19) VCF-style: chr2-179522813-T-G.
Other names: c.13283-15769A>C (NM_003319.4); c.13859-15769A>C (NM_133437.4); c.13658-15769A>C (NM_133432.3); c.31741+919A>C (NM_133378.4); c.34522+919A>C (NM_001256850.1); short protein forms I12595L.
Identifiers: ClinVar variation 1694992 (VCV001694992.31), dbSNP rs2154254247, ClinGen allele CA349482630.